The following is an entry in ClinVar:

NM_000448.3(RAG1):c.2527A>G (p.Lys843Glu)

Gene: RAG1 (recombination activating 1; plus strand). Cytogenetic location: 11p12.
Variant type: single nucleotide variant.
Coding change: c.2527A>G on transcript NM_000448.3 (MANE Select); coding-DNA position 2527, A replaced by G.
Protein change: p.Lys843Glu; replaces lysine 843 with glutamic acid.
Molecular consequence: missense variant.
Genome position (GRCh38, 1-based): chr11:36,575,831, A>G. VCF-style: chr11-36575831-A-G. GRCh37 (hg19) VCF-style: chr11-36597381-A-G.
Other names: c.2527A>G, p.Lys843Glu (NM_001377277.1, NM_001377278.1, NM_001377279.1 and 1 more transcripts); short protein forms K843E.
Identifiers: ClinVar variation 571801 (VCV000571801.9), dbSNP rs186717025, ClinGen allele CA5950279.
Genomic context (GRCh38, chr11:36,575,831, plus strand): 5'-AATGCTTCCAAAGAGGAAAGGAAAAGGTGGCAGGCCACACTGGACAAGCATCTCCGGAAG[A>G]AGATGAACCTCAAACCAATCATGAGGATGAATGGCAACTTTGCCAGGAAGCTCATGACCA-3'
Protein context (NP_000439.2, residues 833-853): QATLDKHLRK[Lys843Glu]MNLKPIMRMN

ClinVar aggregate classification (germline): Uncertain significance (1 of 4 stars; one submission).

Conditions:
Severe combined immunodeficiency, autosomal recessive, T cell-negative, B cell-negative, NK cell-positive. Also called: SCID, T CELL-NEGATIVE, B CELL-NEGATIVE, NK CELL-POSITIVE; SCID, AR, T-cell negative, B-cell negative, NK cell-positive; Severe combined immunodeficiency due to complete RAG1/2 deficiency. Identifiers: Orphanet 331206, MedGen C1832322, MONDO:0011086, OMIM 601457.
Combined immunodeficiency with skin granulomas. Identifiers: Orphanet 157949, MedGen C2673536, MONDO:0009306, OMIM 233650.

Allele frequency attached by ClinVar (database versions not stated): gnomAD exomes 0.00002 and 0.00006; ExAC 0.00007; ESP Exome Variant Server 0.00008; gnomAD 0.00014 and 0.00015; TOPMed 0.00022; 1000 Genomes Project 30x 0.00047; 1000 Genomes Project 0.00060.
gnomAD v4.1: 47 of 1,614,224 alleles (0.0029%); highest among the groups gnomAD compares: African/African-American, 0.055%; no homozygotes.

Submission:

Labcorp Genetics (formerly Invitae), Labcorp
Classification: Uncertain significance for Combined immunodeficiency with skin granulomas; Severe combined immunodeficiency, autosomal recessive, T cell-negative, B cell-negative, NK cell-positive. Last evaluated: 2025-05-27. Review status: criteria provided, single submitter. Criteria: Invitae Variant Classification Sherloc (09022015). Collection method: clinical testing. Allele origin: germline.
Comment: This sequence change replaces lysine, which is basic and polar, with glutamic acid, which is acidic and polar, at codon 843 of the RAG1 protein (p.Lys843Glu). This variant is present in population databases (rs186717025, gnomAD 0.05%). This variant has not been reported in the literature in individuals affected with RAG1-related conditions. ClinVar contains an entry for this variant (Variation ID: 571801). Invitae Evidence Modeling of protein sequence and biophysical properties (such as structural, functional, and spatial information, amino acid conservation, physicochemical variation, residue mobility, and thermodynamic stability) indicates that this missense variant is not expected to disrupt RAG1 protein function with a negative predictive value of 80%. In summary, the available evidence is currently insufficient to determine the role of this variant in disease. Therefore, it has been classified as a Variant of Uncertain Significance.